The following is an entry in ClinVar:

ClinVar aggregate classification (germline): Uncertain significance. Review status: criteria provided, multiple submitters, no conflicts (2 of 4 stars). 2 submissions from 2 submitters: Uncertain significance (2). Last evaluated 2024-05-31.

Conditions:
Neuroblastoma, susceptibility to, 3. Also called: ALK-Related Neuroblastic Tumor Susceptibility. Identifiers: Orphanet 635, MedGen C2751681, MONDO:0013083, OMIM 613014.
Hereditary cancer-predisposing syndrome. Also called: Hereditary Cancer Syndrome; Tumor predisposition; Hereditary neoplastic syndrome; Neoplastic Syndromes, Hereditary. Identifiers: Orphanet 140162, MedGen C0027672, MeSH D009386, MONDO:0015356.

Allele frequency attached by ClinVar (database versions not stated): gnomAD 0.00001; TOPMed 0.00001.
gnomAD v4.1: 1 of 1,613,886 alleles (0.000062%); highest among the groups gnomAD compares: African/African-American, 0.0013%; no homozygotes.

Submissions (2):

Ambry Genetics
Classification: Uncertain significance for Hereditary cancer-predisposing syndrome. Last evaluated: 2024-05-31. Review status: criteria provided, single submitter. Criteria: Ambry Variant Classification Scheme 2023. Collection method: clinical testing. Allele origin: germline.
Comment: The p.E780K variant (also known as c.2338G>A), located in coding exon 13 of the ALK gene, results from a G to A substitution at nucleotide position 2338. The glutamic acid at codon 780 is replaced by lysine, an amino acid with similar properties. This amino acid position is conserved. In addition, this alteration is predicted to be tolerated by in silico analysis. Based on the available evidence, the clinical significance of this variant remains unclear.

Labcorp Genetics (formerly Invitae), Labcorp
Classification: Uncertain significance for Neuroblastoma, susceptibility to, 3. Last evaluated: 2023-01-20. Review status: criteria provided, single submitter. Criteria: Invitae Variant Classification Sherloc (09022015). Collection method: clinical testing. Allele origin: germline.
Comment: In summary, the available evidence is currently insufficient to determine the role of this variant in disease. Therefore, it has been classified as a Variant of Uncertain Significance. Algorithms developed to predict the effect of missense changes on protein structure and function are either unavailable or do not agree on the potential impact of this missense change (SIFT: "Deleterious"; PolyPhen-2: "Benign"; Align-GVGD: "Class C55"). This variant has not been reported in the literature in individuals affected with ALK-related conditions. This variant is not present in population databases (gnomAD no frequency). This sequence change replaces glutamic acid, which is acidic and polar, with lysine, which is basic and polar, at codon 780 of the ALK protein (p.Glu780Lys).

NM_004304.5(ALK):c.2338G>A (p.Glu780Lys)

Gene: ALK (ALK receptor tyrosine kinase; minus strand). Cytogenetic location: 2p23.2.
Variant type: single nucleotide variant.
Coding change: c.2338G>A on transcript NM_004304.5 (MANE Select); coding-DNA position 2338, G replaced by A.
Protein change: p.Glu780Lys; replaces glutamic acid 780 with lysine.
Molecular consequence: missense variant.
Genome position (GRCh38, 1-based): chr2:29,239,697, C>T on the plus strand (G>A on the coding strand, the complement: ALK is on the minus strand). VCF-style: chr2-29239697-C-T. GRCh37 (hg19) VCF-style: chr2-29462563-C-T.
Other names: c.2338G>A (NM_004304.4); short protein forms E780K.
Identifiers: ClinVar variation 2001398 (VCV002001398.5), dbSNP rs1346365547, ClinGen allele CA346474240.